The following is an entry in ClinVar:

ClinVar aggregate classification (germline): Benign/Likely benign. Review status: criteria provided, multiple submitters, no conflicts (2 of 4 stars). 5 submissions from 5 submitters: Benign (3); Likely benign (2). Last evaluated 2025-10-24.

Conditions:
Pseudohypoaldosteronism, type IB1, autosomal recessive. Also called: PHA I, AUTOSOMAL RECESSIVE; Pseudohypoaldosteronism, Type I, Recessive; Autosomal recessive pseudohypoaldosteronism type 1; Pseudohypoaldosteronism, Type I, Autosomal Recessive. Identifiers: Orphanet 171876, Orphanet 756, MedGen C5774176, MONDO:0009917, OMIM 264350.
Bronchiectasis with or without elevated sweat chloride 3 (BESC3). Identifiers: Orphanet 60033, MedGen C2751324, MONDO:0013112, OMIM 613071.
Liddle syndrome 2. Identifiers: MedGen C4748251, MONDO:0020854, OMIM 618114.

Allele frequency attached by ClinVar (database versions not stated): 1000 Genomes Project 30x 0.00156; 1000 Genomes Project 0.00160; gnomAD 0.00334 and 0.00354; TOPMed 0.00386; ESP Exome Variant Server 0.00408.
gnomAD v4.1: 958 of 1,613,912 alleles (0.059%); highest among the groups gnomAD compares: African/African-American, 1.1%; 13 homozygotes.

Submissions (5):

Labcorp Genetics (formerly Invitae), Labcorp
Classification: Benign. Last evaluated: 2025-10-24. Review status: criteria provided, single submitter. Criteria: Invitae Variant Classification Sherloc (09022015). Collection method: clinical testing. Allele origin: germline.

Mayo Clinic Laboratories, Mayo Clinic
Classification: Benign. Last evaluated: 2024-12-13. Review status: criteria provided, single submitter. Criteria: ACMG Guidelines, 2015. Collection method: clinical testing. Allele origin: germline. Observed: 1 variant allele.
Comment: BA1, BS2, BP4, BP7

Blueprint Genetics
Classification: Likely benign. Last evaluated: 2024-09-16. Review status: criteria provided, single submitter. Criteria: ACMG Guidelines, 2015. Collection method: clinical testing. Allele origin: germline.

Athena Diagnostics
Classification: Benign. Last evaluated: 2024-07-30. Review status: criteria provided, single submitter. Criteria: Athena Diagnostics Criteria. Collection method: clinical testing. Allele origin: unknown.

Fulgent Genetics
Classification: Likely benign for Pseudohypoaldosteronism, type IB1, autosomal recessive; Bronchiectasis with or without elevated sweat chloride 3; Liddle syndrome 2. Last evaluated: 2022-05-19. Review status: criteria provided, single submitter. Criteria: ACMG Guidelines, 2015. Collection method: clinical testing. Allele origin: unknown.

NM_001039.4(SCNN1G):c.1570-9G>A

Gene: SCNN1G (sodium channel epithelial 1 subunit gamma; plus strand). Cytogenetic location: 16p12.2.
Variant type: single nucleotide variant.
Coding change: c.1570-9G>A on transcript NM_001039.4 (MANE Select); 9 bases into the intron before coding-DNA position 1570, G replaced by A.
Molecular consequence: intron variant.
Genome position (GRCh38, 1-based): chr16:23,215,080, G>A. VCF-style: chr16-23215080-G-A. GRCh37 (hg19) VCF-style: chr16-23226401-G-A.
Other names: p.?.
Identifiers: ClinVar variation 787440 (VCV000787440.15), dbSNP rs72647540, ClinGen allele CA7959938.
Genomic context (GRCh38, chr16:23,215,080, plus strand): 5'-CAGGGTTCCTGTGTGAGGCCAACTTGGGGGGAGGTTCCTCTTGATGGTGTGGCTTGGCCT[G>A]TCTTGCAGATTGAGATGCTTCTGTCCAACTTCGGTGGCCAGCTGGGCCTGTGGATGAGCT-3'